The following is an entry in ClinVar:

NM_000199.5(SGSH):c.1259C>T (p.Pro420Leu)

Gene: SGSH (N-sulfoglucosamine sulfohydrolase; minus strand). Cytogenetic location: 17q25.3.
Variant type: single nucleotide variant.
Coding change: c.1259C>T on transcript NM_000199.5 (MANE Select); coding-DNA position 1259, C replaced by T.
Protein change: p.Pro420Leu; replaces proline 420 with leucine.
Molecular consequence: missense variant. On other transcripts: 3 prime UTR variant (2), non-coding transcript variant (1).
Genome position (GRCh38, 1-based): chr17:80,210,702, G>A on the plus strand (C>T on the coding strand, the complement: SGSH is on the minus strand). VCF-style: chr17-80210702-G-A. GRCh37 (hg19) VCF-style: chr17-78184501-G-A.
Other names: c.*346C>T (NM_001352921.3); c.*309C>T (NM_001352922.2); short protein forms P420L.
Identifiers: ClinVar variation 577847 (VCV000577847.9), dbSNP rs150222010, ClinGen allele CA8817635.
Genomic context (GRCh38, chr17:80,210,702, plus strand): 5'-TCGTAGAGCTCCCAGCGCGCCCGGTAGTAGTAATGACGGAGGTCCTTGTACCAGCCCGTG[G>A]GCTGACCAGCTGTGGTGCGGTTCAGGAGGTCCTGGAAGGTGGGTGAGACGTAGAAGTCCT-3'
Protein context (NP_000190.1, residues 410-430): DLLNRTTAGQ[Pro420Leu]TGWYKDLRHY

ClinVar aggregate classification (germline): Uncertain significance. Review status: criteria provided, multiple submitters, no conflicts (2 of 4 stars). 3 submissions from 3 submitters: Uncertain significance (2). 1 of the submissions does not count toward it. Last evaluated 2022-10-03.

Conditions:
Mucopolysaccharidosis, MPS-III-A (MPS3A). Also called: Mucopolysaccharidosis, type IIIA; MPS IIIA (Sanfilippo Syndrome Type A); MPS III A; SANFILIPPO SYNDROME A; SULFAMIDASE DEFICIENCY; Mucopolysaccharidosis type IIIA (Sanfilippo A). Identifiers: Orphanet 581, Orphanet 79269, MedGen C0086647, MONDO:0009655, OMIM 252900.

Allele frequency attached by ClinVar (database versions not stated): gnomAD exomes 0.00003 and 0.00006; TOPMed 0.00003; gnomAD 0.00002; ExAC 0.00003; ESP Exome Variant Server 0.00008.
gnomAD v4.1: 90 of 1,613,962 alleles (0.0056%); highest among the groups gnomAD compares: Non-Finnish European, 0.0072%; no homozygotes.

Submissions (3):

Labcorp Genetics (formerly Invitae), Labcorp
Classification: Uncertain significance for Mucopolysaccharidosis, MPS-III-A. Last evaluated: 2022-10-03. Review status: criteria provided, single submitter. Criteria: Invitae Variant Classification Sherloc (09022015). Collection method: clinical testing. Allele origin: germline.
Comment: This sequence change replaces proline, which is neutral and non-polar, with leucine, which is neutral and non-polar, at codon 420 of the SGSH protein (p.Pro420Leu). This variant is present in population databases (rs150222010, gnomAD 0.01%). This variant has not been reported in the literature in individuals affected with SGSH-related conditions. ClinVar contains an entry for this variant (Variation ID: 577847). Advanced modeling of protein sequence and biophysical properties (such as structural, functional, and spatial information, amino acid conservation, physicochemical variation, residue mobility, and thermodynamic stability) has been performed at Invitae for this missense variant, however the output from this modeling did not meet the statistical confidence thresholds required to predict the impact of this variant on SGSH protein function. In summary, the available evidence is currently insufficient to determine the role of this variant in disease. Therefore, it has been classified as a Variant of Uncertain Significance.

Genome-Nilou Lab
Classification: Uncertain significance for Mucopolysaccharidosis, MPS-III-A. Last evaluated: 2021-11-07. Review status: criteria provided, single submitter. Criteria: ACMG Guidelines, 2015. Collection method: clinical testing. Allele origin: germline. Affected: no.

Natera, Inc.
Classification: Uncertain significance for Mucopolysaccharidosis type IIIA. Last evaluated: 2019-11-11. Review status: no assertion criteria provided. Collection method: clinical testing. Allele origin: germline. Not counted in ClinVar's aggregate classification.